The following is an entry in ClinVar:

NM_006516.4(SLC2A1):c.907G>A (p.Val303Met)

Gene: SLC2A1 (solute carrier family 2 member 1; minus strand). Cytogenetic location: 1p34.2.
Variant type: single nucleotide variant.
Coding change: c.907G>A on transcript NM_006516.4 (MANE Select); coding-DNA position 907, G replaced by A.
Protein change: p.Val303Met; replaces valine 303 with methionine.
Molecular consequence: missense variant.
Genome position (GRCh38, 1-based): chr1:42,929,275, C>T on the plus strand (G>A on the coding strand, the complement: SLC2A1 is on the minus strand). VCF-style: chr1-42929275-C-T. GRCh37 (hg19) VCF-style: chr1-43394946-C-T.
Other names: short protein forms V303M.
Identifiers: ClinVar variation 1388169 (VCV001388169.6), dbSNP rs1205631854, ClinGen allele CA339956760.
Genomic context (GRCh38, chr1:42,929,275, plus strand): 5'-CGACAGTGAAGGCCGTGTTGACGATACCGGAGCCAATGGTGGCATACACAGGCTGCTGCA[C>T]CCCCGCCTTCTCGAAGATGCTCGTGGAGTAATAGAAGACCTGCCAGACAAGAGAAACTGT-3'
Protein context (NP_006507.2, residues 293-313): YSTSIFEKAG[Val303Met]QQPVYATIGS

ClinVar aggregate classification (germline): Uncertain significance (1 of 4 stars; one submission).

Conditions:
GLUT1 deficiency syndrome 1, autosomal recessive. Identifiers: MedGen C3149117.

Submission:

Labcorp Genetics (formerly Invitae), Labcorp
Classification: Uncertain significance for GLUT1 deficiency syndrome 1, autosomal recessive. Last evaluated: 2022-01-13. Review status: criteria provided, single submitter. Criteria: Invitae Variant Classification Sherloc (09022015). Collection method: clinical testing. Allele origin: germline.
Comment: This variant has not been reported in the literature in individuals affected with SLC2A1-related conditions. This sequence change replaces valine, which is neutral and non-polar, with methionine, which is neutral and non-polar, at codon 303 of the SLC2A1 protein (p.Val303Met). This variant is not present in population databases (gnomAD no frequency). Algorithms developed to predict the effect of missense changes on protein structure and function are either unavailable or do not agree on the potential impact of this missense change (SIFT: "Deleterious"; PolyPhen-2: "Probably Damaging"; Align-GVGD: "Class C0"). In summary, the available evidence is currently insufficient to determine the role of this variant in disease. Therefore, it has been classified as a Variant of Uncertain Significance.